The following is an entry in ClinVar:

NM_025114.4(CEP290):c.6271-8T>C

Genes: CEP290 (centrosomal protein 290; minus strand), LOC129390514 (MPRA-validated peak1864 silencer; plus strand). Cytogenetic location: 12q21.32.
Variant type: single nucleotide variant.
Coding change: c.6271-8T>C on transcript NM_025114.4 (MANE Select); 8 bases into the intron before coding-DNA position 6271, T replaced by C.
Molecular consequence: intron variant.
Genome position (GRCh38, 1-based): chr12:88,062,786, A>G on the plus strand (T>C on the coding strand, the complement: CEP290 is on the minus strand). VCF-style: chr12-88062786-A-G. GRCh37 (hg19) VCF-style: chr12-88456563-A-G.
Identifiers: ClinVar variation 956617 (VCV000956617.13), dbSNP rs1039146791, ClinGen allele CA606450529.
Genomic context (GRCh38, chr12:88,062,786, plus strand): 5'-GCTTTTTCTTTCTTAAGAAATTCACACATTTCCTTCAAATCTCTGACTTGATTCTGAAAG[A>G]TAACAAGCAAACATGTAATAATTTAACATAGCTACAGCCATTGAAAAGAAAAGGCAAACA-3'

ClinVar aggregate classification (germline): Conflicting classifications of pathogenicity. Review status: criteria provided, conflicting classifications (1 of 4 stars). 3 submissions from 3 submitters: Uncertain significance (1); Likely benign (1). 1 of the submissions does not count toward it. Last evaluated 2025-12-26.

Conditions:
CEP290-related disorder. Also called: CEP290-related condition; CEP290-related disorders. Identifiers: MedGen CN239314.
Meckel-Gruber syndrome. Also called: DYSENCEPHALIA SPLANCHNOCYSTICA; GRUBER SYNDROME; Dysencephalia splachnocystica. Identifiers: Orphanet 564, MedGen C0265215, MONDO:0018921.
Joubert syndrome. Also called: Familial aplasia of the vermis; JOUBERT-BOLTSHAUSER SYNDROME. Identifiers: Orphanet 475, MedGen C5979921, MONDO:0018772.
Nephronophthisis. Also called: Juvenile Nephronophthisis. Identifiers: Orphanet 655, MedGen C0687120, MONDO:0019005, HP:0000090.

Allele frequency attached by ClinVar (database versions not stated): gnomAD 0.00001.

Submissions (3):

Labcorp Genetics (formerly Invitae), Labcorp
Classification: Likely benign for Joubert syndrome; Meckel-Gruber syndrome; Nephronophthisis. Last evaluated: 2025-12-26. Review status: criteria provided, single submitter. Criteria: Invitae Variant Classification Sherloc (09022015). Collection method: clinical testing. Allele origin: germline.

Blueprint Genetics
Classification: Uncertain significance. Last evaluated: 2019-01-21. Review status: criteria provided, single submitter. Criteria: ACMG Guidelines, 2015. Collection method: clinical testing. Allele origin: germline.

PreventionGenetics, part of Exact Sciences
Classification: Likely benign for CEP290-related condition. Last evaluated: 2021-06-24. Review status: no assertion criteria provided. Collection method: clinical testing. Allele origin: germline. Not counted in ClinVar's aggregate classification.
Comment: This variant is classified as likely benign based on ACMG/AMP sequence variant interpretation guidelines (Richards et al. 2015 PMID: 25741868, with internal and published modifications).